The following is an entry in ClinVar:

ClinVar aggregate classification (germline): Uncertain significance. Review status: criteria provided, single submitter (1 of 4 stars). 2 submissions from 2 submitters: Uncertain significance (1). 1 of the submissions does not count toward it. Last evaluated 2025-02-12.

Conditions:
HEMOGLOBIN CHAD.

Submissions (2):

Quest Diagnostics Nichols Institute San Juan Capistrano
Classification: Uncertain significance. Last evaluated: 2025-02-12. Review status: criteria provided, single submitter. Criteria: Quest Diagnostics criteria. Collection method: clinical testing. Allele origin: unknown.
Comment: The HBA1 c.70G>A (p.Glu24Lys) variant (also known as Hb Chad and Hb E-Keelung) has been reported in the published literature in reportedly healthy individuals (PMID: 5714528 (1968)), including an individual found with polycythemia (PMID: 6689417 (1983)). This variant was also reported on the alpha3.7 hybrid allele in a family affected with microcytosis and hypochromia (PMID: 2606723 (1989)). It was described to have slightly increased oxygen affinity and a normal Bohr effect (PMID: 6689417 (1983)). This variant has not been reported in large, multi-ethnic general populations (Genome Aggregation Database). Analysis of this variant using bioinformatics tools for the prediction of the effect of amino acid changes on protein structure and function yielded conflicting predictions that this variant is deleterious or benign. Based on the available information, we are unable to determine the clinical significance of this variant.

OMIM
Classification: other for HEMOGLOBIN CHAD. Last evaluated: 2016-07-20. Review status: no assertion criteria provided. Collection method: literature only. Allele origin: germline. Not counted in ClinVar's aggregate classification.

Literature cited by the submitters: PubMed 4786652 (cited by Quest Diagnostics Nichols Institute San Juan Capistrano); PubMed 5714528 (cited by Quest Diagnostics Nichols Institute San Juan Capistrano and OMIM); PubMed 2606723 (cited by Quest Diagnostics Nichols Institute San Juan Capistrano); PubMed 6689417 (cited by Quest Diagnostics Nichols Institute San Juan Capistrano).

NM_000558.3(HBA1):c.70G>A (p.Glu24Lys)

Genes: HBA1 (hemoglobin subunit alpha 1; plus strand), LOC106804613 (hemoglobin subunit alpha 1 recombination region; plus strand). Cytogenetic location: 16p13.3.
Variant type: single nucleotide variant.
Coding change: c.70G>A on transcript NM_000558.3; coding-DNA position 70, G replaced by A.
Protein change: p.Glu24Lys; replaces glutamic acid 24 with lysine.
Molecular consequence: missense variant (on NM_000558.5).
Genome position (GRCh38, 1-based): chr16:176,786, G>A. VCF-style: chr16-176786-G-A. GRCh37 (hg19) VCF-style: chr16-226785-G-A.
Other names: E23K; c.70G>A, p.Glu24Lys (NM_000558.5); short protein forms E24K.
Identifiers: ClinVar variation 15709 (VCV000015709.3), dbSNP rs33939620, ClinGen allele CA125693.